The following is an entry in ClinVar:

NM_001127208.3(TET2):c.1603A>G (p.Asn535Asp)

Genes: TET2 (tet methylcytosine dioxygenase 2; plus strand), TET2-AS1 (TET2 antisense RNA 1; minus strand). Cytogenetic location: 4q24.
Variant type: single nucleotide variant.
Coding change: c.1603A>G on transcript NM_001127208.3 (MANE Select); coding-DNA position 1603, A replaced by G.
Protein change: p.Asn535Asp; replaces asparagine 535 with aspartic acid.
Molecular consequence: missense variant.
Genome position (GRCh38, 1-based): chr4:105,235,545, A>G. VCF-style: chr4-105235545-A-G. GRCh37 (hg19) VCF-style: chr4-106156702-A-G.
Other names: c.1603A>G, p.Asn535Asp (NM_017628.4); short protein forms N535D.
Identifiers: ClinVar variation 4594225 (VCV004594225.1).

ClinVar aggregate classification (germline): Uncertain significance (1 of 4 stars; one submission).

Submission:

Ambry Genetics
Classification: Uncertain significance. Last evaluated: 2025-11-28. Review status: criteria provided, single submitter. Criteria: Ambry Variant Classification Scheme 2023. Collection method: clinical testing. Allele origin: germline.
Comment: The p.N535D variant (also known as c.1603A>G), located in coding exon 1 of the TET2 gene, results from an A to G substitution at nucleotide position 1603. The asparagine at codon 535 is replaced by aspartic acid, an amino acid with highly similar properties. This amino acid position is conserved. In addition, this alteration is predicted to be tolerated by in silico analysis. Based on the available evidence, the clinical significance of this variant remains unclear.